The following is an entry in ClinVar:

ClinVar aggregate classification (germline): Uncertain significance (1 of 4 stars; one submission).

Submission:

Labcorp Genetics (formerly Invitae), Labcorp
Classification: Uncertain significance. Last evaluated: 2022-08-27. Review status: criteria provided, single submitter. Criteria: Invitae Variant Classification Sherloc (09022015). Collection method: clinical testing. Allele origin: germline.
Comment: Advanced modeling of protein sequence and biophysical properties (such as structural, functional, and spatial information, amino acid conservation, physicochemical variation, residue mobility, and thermodynamic stability) performed at Invitae indicates that this missense variant is not expected to disrupt CACNA1E protein function. In summary, the available evidence is currently insufficient to determine the role of this variant in disease. Therefore, it has been classified as a Variant of Uncertain Significance. This variant has not been reported in the literature in individuals affected with CACNA1E-related conditions. This sequence change replaces arginine, which is basic and polar, with lysine, which is basic and polar, at codon 2110 of the CACNA1E protein (p.Arg2110Lys). This variant is not present in population databases (gnomAD no frequency).

NM_001205293.3(CACNA1E):c.6458G>A (p.Arg2153Lys)

Gene: CACNA1E (calcium voltage-gated channel subunit alpha1 E; plus strand). Cytogenetic location: 1q25.3.
Variant type: single nucleotide variant.
Coding change: c.6458G>A on transcript NM_001205293.3 (MANE Select); coding-DNA position 6458, G replaced by A.
Protein change: p.Arg2153Lys; replaces arginine 2153 with lysine.
Molecular consequence: missense variant.
Genome position (GRCh38, 1-based): chr1:181,798,350, G>A. VCF-style: chr1-181798350-G-A. GRCh37 (hg19) VCF-style: chr1-181767486-G-A.
Other names: c.6329G>A, p.Arg2110Lys (NM_000721.4); c.6272G>A, p.Arg2091Lys (NM_001205294.2); short protein forms R2091K, R2110K, R2153K.
Identifiers: ClinVar variation 1716360 (VCV001716360.5), dbSNP rs2525527986, ClinGen allele CA343844840.